The following is an entry in ClinVar:

NM_153240.5(NPHP3):c.2741A>T (p.Asp914Val)

Genes: NPHP3 (nephrocystin 3; minus strand), NPHP3-ACAD11 (NPHP3-ACAD11 readthrough (NMD candidate); minus strand). Cytogenetic location: 3q22.1.
Variant type: single nucleotide variant.
Coding change: c.2741A>T on transcript NM_153240.5 (MANE Select); coding-DNA position 2741, A replaced by T.
Protein change: p.Asp914Val; replaces aspartic acid 914 with valine.
Molecular consequence: missense variant. On other transcripts: non-coding transcript variant (1).
Genome position (GRCh38, 1-based): chr3:132,689,216, T>A on the plus strand (A>T on the coding strand, the complement: NPHP3 is on the minus strand). VCF-style: chr3-132689216-T-A. GRCh37 (hg19) VCF-style: chr3-132408060-T-A.
Other names: short protein forms D914V.
Identifiers: ClinVar variation 4982588 (VCV004982588.1).
Genomic context (GRCh38, chr3:132,689,216, plus strand): 5'-TCGCAGTTTTTCTCATACTGCTTCAATGAATCGAAGTATTCTGTTGCCATTGCACTTTTG[T>A]CTTTGCCAACAAACTGCCAATAACTCAGCAACTCAGCAAAGTGTCCCCTGTTTCAACAAA-3'
Protein context (NP_694972.3, residues 904-924): LLSYWQFVGK[Asp914Val]KSAMATEYFD

ClinVar aggregate classification (germline): Uncertain significance (1 of 4 stars; one submission).

Conditions:
NPHP3-related disorder. Also called: NPHP3-related disorders; NPHP3-related condition. Identifiers: MedGen CN379163.

gnomAD v4.1: 1 of 1,614,158 alleles (0.000062%); highest among the groups gnomAD compares: Non-Finnish European, 0.000085%; no homozygotes.

Submission:

PreventionGenetics, part of Exact Sciences
Classification: Uncertain significance for NPHP3-related condition. Last evaluated: 2025-12-03. Review status: criteria provided, single submitter. Criteria: ACMG Guidelines, 2015. Collection method: clinical testing. Allele origin: germline.
Comment: The NPHP3 c.2741A>T variant is predicted to result in the amino acid substitution p.Asp914Val. To our knowledge, this variant has not been reported in the literature or in a large population database (gnomAD), indicating this variant is rare. At this time, the clinical significance of this variant is uncertain due to the absence of conclusive functional and genetic evidence.